The following is an entry in ClinVar:

NM_000443.4(ABCB4):c.1230+2T>A

Gene: ABCB4 (ATP binding cassette subfamily B member 4; minus strand). Cytogenetic location: 7q21.12.
Variant type: single nucleotide variant.
Coding change: c.1230+2T>A on transcript NM_000443.4 (MANE Select); the canonical splice donor site of the intron after coding-DNA position 1230, T replaced by A.
Molecular consequence: splice donor variant.
Genome position (GRCh38, 1-based): chr7:87,443,661, A>T on the plus strand (T>A on the coding strand, the complement: ABCB4 is on the minus strand). VCF-style: chr7-87443661-A-T. GRCh37 (hg19) VCF-style: chr7-87072977-A-T.
Other names: c.1230+2T>A (NM_018850.3, NM_018849.3).
Identifiers: ClinVar variation 4846334 (VCV004846334.1).

ClinVar aggregate classification (germline): Pathogenic (1 of 4 stars; one submission).

Conditions:
Familial intrahepatic cholestasis. Identifiers: Orphanet 284385, MedGen CN296401, MONDO:0017290.

Submission:

Genomenon, Inc
Classification: Pathogenic for Familial intrahepatic cholestasis. Last evaluated: 2026-04-14. Review status: criteria provided, single submitter. Criteria: Genomenon Sequence Variant Interpretation Standards - Updated. Collection method: curation. Allele origin: germline. Affected: yes.
Comment: ABCB4 c.1230+2T>A is a canonical splice variant affecting the donor splice site of intron 11. It is predicted to affect mRNA splicing, leading to a deleterious effect on the ABCB4 protein. This variant has been observed in at least one proband with an ABCB4-related disorder (PMID:28733223). It is absent or not present at a significant frequency in gnomAD. In conclusion, we classify ABCB4 c.1230+2T>A as a pathogenic variant.

Literature cited by the submitters: PubMed 28733223.